The following is an entry in ClinVar:

ClinVar aggregate classification (germline): Uncertain significance (1 of 4 stars; one submission).

gnomAD v4.1: 1 of 1,592,294 alleles (0.000063%); highest among the groups gnomAD compares: Non-Finnish European, 0.000085%; no homozygotes.

Submission:

Labcorp Genetics (formerly Invitae), Labcorp
Classification: Uncertain significance. Last evaluated: 2025-05-08. Review status: criteria provided, single submitter. Criteria: Invitae Variant Classification Sherloc (09022015). Collection method: clinical testing. Allele origin: germline.
Comment: This sequence change replaces isoleucine, which is neutral and non-polar, with methionine, which is neutral and non-polar, at codon 130 of the PDE6B protein (p.Ile130Met). This variant is not present in population databases (gnomAD no frequency). This variant has not been reported in the literature in individuals affected with PDE6B-related conditions. Invitae Evidence Modeling of protein sequence and biophysical properties (such as structural, functional, and spatial information, amino acid conservation, physicochemical variation, residue mobility, and thermodynamic stability) has been performed for this missense variant. However, the output from this modeling did not meet the statistical confidence thresholds required to predict the impact of this variant on PDE6B protein function. In summary, the available evidence is currently insufficient to determine the role of this variant in disease. Therefore, it has been classified as a Variant of Uncertain Significance.

NM_000283.4(PDE6B):c.390C>G (p.Ile130Met)

Gene: PDE6B (phosphodiesterase 6B; plus strand). Cytogenetic location: 4p16.3.
Variant type: single nucleotide variant.
Coding change: c.390C>G on transcript NM_000283.4 (MANE Select); coding-DNA position 390, C replaced by G.
Protein change: p.Ile130Met; replaces isoleucine 130 with methionine.
Molecular consequence: missense variant.
Genome position (GRCh38, 1-based): chr4:626,016, C>G. VCF-style: chr4-626016-C-G. GRCh37 (hg19) VCF-style: chr4-619805-C-G.
Other names: c.390C>G, p.Ile130Met (NM_001145291.2, NM_001440547.1, NM_001440548.1); short protein forms I130M.
Identifiers: ClinVar variation 4746187 (VCV004746187.1).